The following is an entry in ClinVar:

NM_012414.4(RAB3GAP2):c.2998T>C (p.Tyr1000His)

Gene: RAB3GAP2 (RAB3 GTPase activating non-catalytic protein subunit 2; minus strand). Cytogenetic location: 1q41.
Variant type: single nucleotide variant.
Coding change: c.2998T>C on transcript NM_012414.4 (MANE Select); coding-DNA position 2998, T replaced by C.
Protein change: p.Tyr1000His; replaces tyrosine 1000 with histidine.
Molecular consequence: missense variant.
Genome position (GRCh38, 1-based): chr1:220,167,382, A>G on the plus strand (T>C on the coding strand, the complement: RAB3GAP2 is on the minus strand). VCF-style: chr1-220167382-A-G. GRCh37 (hg19) VCF-style: chr1-220340724-A-G.
Other names: short protein forms Y1000H.
Identifiers: ClinVar variation 3361001 (VCV003361001.1).

ClinVar aggregate classification (germline): Uncertain significance (1 of 4 stars; one submission).

Submission:

GeneDx
Classification: Uncertain significance. Last evaluated: 2023-07-14. Review status: criteria provided, single submitter. Criteria: GeneDx Variant Classification Process June 2021. Collection method: clinical testing. Allele origin: germline. Affected: yes.
Comment: In silico analysis supports that this missense variant does not alter protein structure/function; Has not been previously published as pathogenic or benign to our knowledge